The following is an entry in ClinVar:

NM_015909.4(NBAS):c.4115A>G (p.Gln1372Arg)

Gene: NBAS (NBAS subunit of NRZ tethering complex; minus strand). Cytogenetic location: 2p24.3.
Variant type: single nucleotide variant.
Coding change: c.4115A>G on transcript NM_015909.4 (MANE Select); coding-DNA position 4115, A replaced by G.
Protein change: p.Gln1372Arg; replaces glutamine 1372 with arginine.
Molecular consequence: missense variant. On other transcripts: non-coding transcript variant (1).
Genome position (GRCh38, 1-based): chr2:15,352,056, T>C on the plus strand (A>G on the coding strand, the complement: NBAS is on the minus strand). VCF-style: chr2-15352056-T-C. GRCh37 (hg19) VCF-style: chr2-15492180-T-C.
Other names: short protein forms Q1372R.
Identifiers: ClinVar variation 1476378 (VCV001476378.4), dbSNP rs1391953142, ClinGen allele CA345887951.

ClinVar aggregate classification (germline): Uncertain significance (1 of 4 stars; one submission).

Allele frequency attached by ClinVar (database versions not stated): gnomAD exomes below 0.00001.
gnomAD v4.1: 2 of 1,610,866 alleles (0.00012%); highest among the groups gnomAD compares: Admixed American, 0.0017%; no homozygotes.

Submission:

Labcorp Genetics (formerly Invitae), Labcorp
Classification: Uncertain significance. Last evaluated: 2023-07-28. Review status: criteria provided, single submitter. Criteria: Invitae Variant Classification Sherloc (09022015). Collection method: clinical testing. Allele origin: germline.
Comment: This variant has not been reported in the literature in individuals affected with NBAS-related conditions. ClinVar contains an entry for this variant (Variation ID: 1476378). Advanced modeling of protein sequence and biophysical properties (such as structural, functional, and spatial information, amino acid conservation, physicochemical variation, residue mobility, and thermodynamic stability) performed at Invitae indicates that this missense variant is not expected to disrupt NBAS protein function. In summary, the available evidence is currently insufficient to determine the role of this variant in disease. Therefore, it has been classified as a Variant of Uncertain Significance. This variant is present in population databases (no rsID available, gnomAD 0.003%). This sequence change replaces glutamine, which is neutral and polar, with arginine, which is basic and polar, at codon 1372 of the NBAS protein (p.Gln1372Arg).